The following is an entry in ClinVar:

ClinVar aggregate classification (germline): Pathogenic/Likely pathogenic. Review status: criteria provided, multiple submitters, no conflicts (2 of 4 stars). 4 submissions from 4 submitters: Pathogenic (1); Likely pathogenic (1). 2 of the submissions do not count toward it. Last evaluated 2021-12-14.

Conditions:
Breast-ovarian cancer, familial, susceptibility to, 2 (BROVCA2). Also called: BRCA2 Hereditary Breast and Ovarian Cancer. Identifiers: Orphanet 145, MedGen C2675520, MONDO:0012933, OMIM 612555. Disease mechanism: loss of function.
Fanconi anemia complementation group D1. Also called: BRCA2-Related Fanconi Anemia. Identifiers: Orphanet 319462, MedGen C1838457, MONDO:0011584, OMIM 605724.
Medulloblastoma (MDB). Also called: MEDULLOBLASTOMA PREDISPOSITION SYNDROME; Medulloblastoma, somatic. Identifiers: Orphanet 616, MedGen C0025149, MeSH D008527, MONDO:0007959, OMIM 155255, HP:0002885.
Pancreatic cancer, susceptibility to, 2. Identifiers: Orphanet 1333, MedGen C3150546, MONDO:0013235, OMIM 613347.
Glioma susceptibility 3 (GLM3). Also called: Glioblastoma 3. Identifiers: Orphanet 182067, Orphanet 360, MedGen C2751641, MONDO:0013093, OMIM 613029.
Wilms tumor 1 (WT1). Also called: Wilms tumor, somatic. Identifiers: Orphanet 654, MedGen CN033288, MONDO:0008679, OMIM 194070.
Familial cancer of breast. Also called: hereditary breast carcinoma; BREAST CANCER, FAMILIAL; Hereditary breast cancer. Identifiers: Orphanet 227535, MedGen C0346153, MONDO:0016419, OMIM 114480. Disease mechanism: loss of function.
Prostate cancer. Also called: Malignant tumor of prostate. Identifiers: Orphanet 1331, MedGen C0376358, MONDO:0008315, HP:0012125.
Hereditary cancer-predisposing syndrome. Also called: Hereditary Cancer Syndrome; Neoplastic Syndromes, Hereditary; Hereditary neoplastic syndrome; Tumor predisposition. Identifiers: Orphanet 140162, MedGen C0027672, MeSH D009386, MONDO:0015356.

Submissions (4):

Fulgent Genetics
Classification: Pathogenic for Familial cancer of breast; Medulloblastoma; Familial prostate cancer; Wilms tumor 1; Fanconi anemia complementation group D1; Breast-ovarian cancer, familial, susceptibility to, 2; Glioma susceptibility 3; Pancreatic cancer, susceptibility to, 2. Last evaluated: 2021-12-14. Review status: criteria provided, single submitter. Criteria: ACMG Guidelines, 2015. Collection method: clinical testing. Allele origin: unknown.

Ambry Genetics
Classification: Likely pathogenic for Hereditary cancer-predisposing syndrome. Last evaluated: 2018-11-21. Review status: criteria provided, single submitter. Criteria: Ambry Variant Classification Scheme 2023. Collection method: clinical testing. Allele origin: germline.
Comment: The c.8332-1G>C intronic variant results from a G to C substitution one nucleotide upstream from coding exon 18 of the BRCA2 gene. This alteration was identified in one family of Scottish/Northern Irish descent with early onset breast and/or ovarian cancer (Scottish/Northern Irish BRCA1/BRCA2 Consortium, Br. J. Cancer 2003 Apr; 88(8):1256-62). This nucleotide position is highly conserved in available vertebrate species. Using the BDGP and ESEfinder splice site prediction tools, this alteration is predicted to abolish the native splice acceptor site; however, direct evidence is unavailable. Alterations that disrupt the canonical splice site are expected to cause aberrant splicing, resulting in an abnormal protein or a transcript that is subject to nonsense-mediated mRNA decay. As such, this alteration is classified as likely pathogenic.

ClinVar Staff, National Center for Biotechnology Information (NCBI)
No classification provided. Condition: Familial cancer of breast. Review status: no classification provided. Collection method: literature only. Allele origin: germline. Affected: yes. Not counted in ClinVar's aggregate classification.

Department of Pathology and Laboratory Medicine, Sinai Health System
Classification: Pathogenic for Breast-ovarian cancer, familial, susceptibility to, 2. Review status: no assertion criteria provided. Collection method: clinical testing. Allele origin: unknown. Affected: yes. Study: The Canadian Open Genetics Repository (COGR). Not counted in ClinVar's aggregate classification.
Comment: The BRCA2 c.8332-1G>C variant was identified in 1 of 214 proband chromosomes (frequency: 0.01) from individuals or families with breast cancer (S/N Consortium 2003). The variant was also identified in dbSNP (ID: rs397507979) as â€šÃ„ÃºWith Pathogenic, untested alleleâ€šÃ„Ã¹, ClinVar (unclassified), and ARUP Laboratories (definitely pathogenic). The variant was not identified in Clinvitae, COGR, Cosmic, LOVD 3.0, UMD-LSDB, BIC Database, or Zhejiang University databases. The variant was not identified in the following control databases: the 1000 Genomes Project, the NHLBI GO Exome Sequencing Project, the Exome Aggregation Consortium (August 8th 2016), or the Genome Aggregation Database (Feb 27, 2017). The c.8332-1G>C variant is predicted to cause abnormal splicing because the nucleotide substitution occurs in the invariant region of the splice consensus sequence. In addition, 4 of 5 in silico or computational prediction software programs (SpliceSiteFinder, MaxEntScan, NNSPLICE, GeneSplicer, HumanSpliceFinder) predict a greater than 10% difference in splicing. In summary, based on the above information this variant meets our laboratoryâ€šÃ„Ã´s criteria to be classified as pathogenic.

Literature cited by the submitters: PubMed 12698193 (cited by Ambry Genetics and ClinVar Staff, National Center for Biotechnology Information (NCBI)).

NM_000059.4(BRCA2):c.8332-1G>C

Gene: BRCA2 (BRCA2 DNA repair associated; plus strand). Cytogenetic location: 13q13.1.
Variant type: single nucleotide variant.
Coding change: c.8332-1G>C on transcript NM_000059.4 (MANE Select); the canonical splice acceptor site of the intron before coding-DNA position 8332, G replaced by C.
Molecular consequence: splice acceptor variant.
Genome position (GRCh38, 1-based): chr13:32,370,401, G>C. VCF-style: chr13-32370401-G-C. GRCh37 (hg19) VCF-style: chr13-32944538-G-C.
Other names: c.8332-1G>C (NM_001406720.1); c.8236-1G>C (NM_001406719.1); c.3400-1G>C (NM_001406721.1); c.1915-1G>C (NM_001406722.1).
Identifiers: ClinVar variation 52553 (VCV000052553.7), dbSNP rs397507979, ClinGen allele CA025583.
Genomic context (GRCh38, chr13:32,370,401, plus strand): 5'-TCTGTAATAGAATTGAATACATATTTAACTACTAAATCAATATATTTATTAATTTGTCCA[G>C]ATTTCTGCTAACAGTACTCGGCCTGCTCGCTGGTATACCAAACTTGGATTCTTTCCTGAC-3'